The following is an entry in ClinVar:

NM_172245.4(CSF2RA):c.1156G>A (p.Gly386Arg)

Gene: CSF2RA (colony stimulating factor 2 receptor subunit alpha; plus strand). Cytogenetic location: Xp22.33.
Variant type: single nucleotide variant.
Coding change: c.1156G>A on transcript NM_172245.4 (MANE Select); coding-DNA position 1156, G replaced by A.
Protein change: p.Gly386Arg; replaces glycine 386 with arginine.
Molecular consequence: missense variant. On other transcripts: 3 prime UTR variant (5), non-coding transcript variant (1), intron variant (6).
Genome position (GRCh38, 1-based): chrX:1,309,432, G>A. VCF-style: chrX-1309432-G-A. GRCh37 (hg19) VCF-style: chrX-1428325-G-A.
Other names: p.Gly386Arg; c.1156G>A, p.Gly386Arg (NM_001161529.2, NM_001379156.1, NM_001379158.1 and 1 more transcripts); c.1258G>A, p.Gly420Arg (NM_001161530.2, NM_001379153.1, NM_001379154.1); c.757G>A, p.Gly253Arg (NM_001161532.2); c.1126G>A, p.Gly376Arg (NM_001379160.1); c.967G>A, p.Gly323Arg (NM_001379166.1); c.*57G>A (NM_001379167.1, NM_001379168.1, NM_001379169.1 and 2 more transcripts); c.977G>A, p.Arg326Lys (NM_172246.4); and 2 more; short protein forms G420R, R326K, G386R, G253R, G376R, G323R.
Identifiers: ClinVar variation 646651 (VCV000646651.14), dbSNP rs772019564, ClinGen allele CA10331276.
Genomic context (GRCh38, chrX:1,309,432, plus strand): 5'-TCTGACAGCCTGAACCCTCCTTTTTCTCAGATCATCTGGGAGGAATTCACCCCAGAGGAA[G>A]GGAAAGGCTACCGCGAAGAGGTCTTGACCGTGAAGGAAATTACCTGAGACCCAGAGGGTG-3'
Protein context (NP_758448.1, residues 376-396): IIWEEFTPEE[Gly386Arg]KGYREEVLTV

ClinVar aggregate classification (germline): Uncertain significance. Review status: criteria provided, multiple submitters, no conflicts (2 of 4 stars). 4 submissions from 4 submitters: Uncertain significance (4). Last evaluated 2025-04-27.

Conditions:
Surfactant metabolism dysfunction, pulmonary, 4 (SMDP4). Also called: PULMONARY ALVEOLAR PROTEINOSIS, CONGENITAL, 4; CSF2RA DEFICIENCY; PAP DUE TO CSF2RA DEFICIENCY. Identifiers: Orphanet 264675, MedGen C2677877, MONDO:0010424, OMIM 300770.

Allele frequency attached by ClinVar (database versions not stated): ExAC 0.00002; gnomAD 0.00002 and 0.00003; gnomAD exomes 0.00002; TOPMed 0.00004; 1000 Genomes Project 30x 0.00042; 1000 Genomes Project 0.00053.
gnomAD v4.1: 14 of 1,614,006 alleles (0.00087%); highest among the groups gnomAD compares: East Asian, 0.018%; no homozygotes.

Submissions (4):

Labcorp Genetics (formerly Invitae), Labcorp
Classification: Uncertain significance for Surfactant metabolism dysfunction, pulmonary, 4. Last evaluated: 2025-04-27. Review status: criteria provided, single submitter. Criteria: Invitae Variant Classification Sherloc (09022015). Collection method: clinical testing. Allele origin: germline.
Comment: This sequence change replaces glycine, which is neutral and non-polar, with arginine, which is basic and polar, at codon 386 of the CSF2RA protein (p.Gly386Arg). This variant is present in population databases (no rsID available, gnomAD 0.03%). This variant has not been reported in the literature in individuals affected with CSF2RA-related conditions. ClinVar contains an entry for this variant (Variation ID: 646651). An algorithm developed to predict the effect of missense changes on protein structure and function (PolyPhen-2) suggests that this variant is likely to be tolerated. In summary, the available evidence is currently insufficient to determine the role of this variant in disease. Therefore, it has been classified as a Variant of Uncertain Significance.

GeneDx
Classification: Uncertain significance. Last evaluated: 2024-01-29. Review status: criteria provided, single submitter. Criteria: GeneDx Variant Classification Process June 2021. Collection method: clinical testing. Allele origin: germline. Affected: yes.
Comment: In silico analysis supports that this missense variant does not alter protein structure/function; Has not been previously published as pathogenic or benign to our knowledge

Mayo Clinic Laboratories, Mayo Clinic
Classification: Uncertain significance. Last evaluated: 2021-12-14. Review status: criteria provided, single submitter. Criteria: ACMG Guidelines, 2015. Collection method: clinical testing. Allele origin: germline.

Center for Genomics, Ann and Robert H. Lurie Children's Hospital of Chicago
Classification: Uncertain significance. Last evaluated: 2021-03-30. Review status: criteria provided, single submitter. Criteria: ACMG Guidelines, 2015. Collection method: clinical testing. Allele origin: germline.
Comment: CSF2RA NM_006140.4 exon 13 p.Gly386Arg (c.1156G>A): This variant has not been reported in the literature but is present in 0.03% (7/19954) of East Asian alleles in the Genome Aggregation Database. This variant is present in ClinVar (Variation ID:646651). Evolutionary conservation analysis is limited or unavailable; computational predictive tools suggest that this variant may not impact the protein. In summary, data on this variant is insufficient for disease classification. Therefore, the clinical significance of this variant is uncertain.